The following is an entry in ClinVar:

NM_001267550.2(TTN):c.8092del (p.Thr2698fs)

Gene: TTN (titin; minus strand). Cytogenetic location: 2q31.2.
Variant type: Deletion.
Coding change: c.8092del on transcript NM_001267550.2 (MANE Select); coding-DNA position 8092, one base deleted (A; older notation c.8092delA).
Protein change: p.Thr2698fs; shifts the reading frame from threonine 2698.
Molecular consequence: frameshift variant.
Genome position (GRCh38, 1-based): chr2:178,771,235, T deleted on the plus strand (A on the coding strand, the reverse complement: TTN is on the minus strand); the first of 4 consecutive T bases (chr2:178,771,235-178,771,238); deleting any one gives the same sequence. VCF-style (leftmost placement, unchanged base first): chr2-178771234-GT-G. GRCh37 (hg19) VCF-style: chr2-179635961-GT-G.
Other names: c.8092del, p.Thr2698fs (NM_001256850.1, NM_133378.4, NM_133379.5); c.7954del, p.Thr2652fs (NM_003319.4, NM_133432.3, NM_133437.4); short protein forms T2652fs, T2698fs.
Identifiers: ClinVar variation 1346081 (VCV001346081.8), dbSNP rs2154343276, ClinGen allele CA2573133948.

ClinVar aggregate classification (germline): Likely pathogenic (1 of 4 stars; one submission).

Conditions:
Dilated cardiomyopathy 1G (CMD1G). Identifiers: Orphanet 154, MedGen C1858763, MONDO:0011400, OMIM 604145.
Autosomal recessive limb-girdle muscular dystrophy type 2J (LGMDR10). Also called: Limb-girdle muscular dystrophy, type 2J; MUSCULAR DYSTROPHY, LIMB-GIRDLE, AUTOSOMAL RECESSIVE 10. Identifiers: Orphanet 140922, MedGen C1837342, MONDO:0012127, OMIM 608807.

Submission:

Labcorp Genetics (formerly Invitae), Labcorp
Classification: Likely pathogenic for Dilated cardiomyopathy 1G; Autosomal recessive limb-girdle muscular dystrophy type 2J. Last evaluated: 2024-10-18. Review status: criteria provided, single submitter. Criteria: Invitae Variant Classification Sherloc (09022015). Collection method: clinical testing. Allele origin: germline.
Comment: This sequence change creates a premature translational stop signal (p.Thr2698Hisfs*16) in the TTN gene. While this is not anticipated to result in nonsense mediated decay, it is expected to create a truncated TTN protein. This variant is not present in population databases (gnomAD no frequency). This variant has not been reported in the literature in individuals affected with TTN-related conditions. ClinVar contains an entry for this variant (Variation ID: 1346081). This variant is located in the I band of TTN (PMID: 25589632). Truncating variants in this region have been reported in individuals affected with autosomal recessive centronuclear myopathy (PMID: 23975875, internal data). Truncating variants in this region have also been identified in individuals affected with autosomal dominant dilated cardiomyopathy and/or cardio-related conditions (PMID: 27869827, 32964742, internal data). In summary, the currently available evidence indicates that the variant is pathogenic, but additional data are needed to prove that conclusively. Therefore, this variant has been classified as Likely Pathogenic.

Literature cited by the submitters: PubMed 25589632; PubMed 23975875; PubMed 27869827; PubMed 32964742.